The following is an entry in ClinVar:

NM_000053.4(ATP7B):c.2673del (p.Asn892fs)

Gene: ATP7B (ATPase copper transporting beta; minus strand). Cytogenetic location: 13q14.3.
Variant type: Deletion.
Coding change: c.2673del on transcript NM_000053.4 (MANE Select); coding-DNA position 2673, one base deleted (C; older notation c.2673delC).
Protein change: p.Asn892fs; shifts the reading frame from asparagine 892.
Molecular consequence: frameshift variant.
Genome position (GRCh38, 1-based): chr13:51,950,064, G deleted on the plus strand (C on the coding strand, the reverse complement: ATP7B is on the minus strand). VCF-style (leftmost placement, unchanged base first): chr13-51950063-TG-T. GRCh37 (hg19) VCF-style: chr13-52524199-TG-T.
Other names: c.2187del, p.Asn730fs (NM_001005918.3); c.2340del, p.Asn781fs (NM_001243182.2); c.2439del, p.Asn814fs (NM_001330578.2); c.2421del, p.Asn808fs (NM_001330579.2); c.2673delC, p.Asn892Metfs (NM_001406511.1, NM_001406512.1, NM_001406513.1 and 7 more transcripts); c.2640delC, p.Asn881Metfs (NM_001406514.1); c.2577delC, p.Asn860Metfs (NM_001406517.1, NM_001406518.1); c.2529delC, p.Asn844Metfs (NM_001406520.1, NM_001406521.1, NM_001406522.1 and 1 more transcripts); and 11 more; short protein forms N730fs, N781fs, N808fs, N814fs, N892fs.
Identifiers: ClinVar variation 1726023 (VCV001726023.2), dbSNP rs2547670422, ClinGen allele CA2580087692.

ClinVar aggregate classification (germline): Likely pathogenic (1 of 4 stars; one submission).

Conditions:
Wilson disease (WND). Also called: Wilson's disease. Identifiers: Orphanet 905, MedGen C0019202, MONDO:0010200, OMIM 277900. Disease mechanism: loss of function.

Submission:

Myriad Genetics, Inc.
Classification: Likely pathogenic for Wilson disease. Last evaluated: 2022-05-05. Review status: criteria provided, single submitter. Criteria: Myriad Women's Health Autosomal Recessive and X-Linked Classification Criteria (2021). Collection method: clinical testing. Allele origin: unknown.
Comment: NM_000053.3(ATP7B):c.2673delC(N892Mfs*9) is expected to be pathogenic in the context of Wilson disease. This variant is predicted to lead to an abnormal or absent protein product due to the creation of a premature termination codon in ATP7B, a gene where loss-of-function variants are known to be pathogenic. Please note: this variant was assessed in the context of healthy population screening.